The following is an entry in ClinVar:

NM_000091.5(COL4A3):c.646-2A>C

Genes: COL4A3 (collagen type IV alpha 3 chain; plus strand), MFF-DT (MFF divergent transcript; minus strand). Cytogenetic location: 2q36.3.
Variant type: single nucleotide variant.
Coding change: c.646-2A>C on transcript NM_000091.5 (MANE Select); the canonical splice acceptor site of the intron before coding-DNA position 646, A replaced by C.
Molecular consequence: splice acceptor variant.
Genome position (GRCh38, 1-based): chr2:227,253,294, A>C. VCF-style: chr2-227253294-A-C. GRCh37 (hg19) VCF-style: chr2-228118010-A-C.
Identifiers: ClinVar variation 4887030 (VCV004887030.1).

ClinVar aggregate classification (germline): Pathogenic (1 of 4 stars; one submission).

Conditions:
Autosomal dominant Alport syndrome (ATS3A). Also called: Alport syndrome dominant type; Renal failure and sensorineural hearing loss; ALPORT SYNDROME 3A, AUTOSOMAL DOMINANT. Identifiers: Orphanet 63, Orphanet 88918, MedGen C5882663, MONDO:0007086, OMIM 104200.

Submission:

MVZ Medizinische Genetik Mainz
Classification: Pathogenic for Autosomal dominant Alport syndrome. Last evaluated: 2026-07-22. Review status: criteria provided, single submitter. Criteria: UK Practice Guidelines For Variant Classification V4 01 2020. Collection method: clinical testing. Allele origin: germline. Inheritance: Autosomal dominant inheritance. Affected: yes. Observed: 1 variant allele.
Comment: ACMG Criteria: PVS1,PM2_SUP,PP4